The following is an entry in ClinVar:

ClinVar aggregate classification (germline): Pathogenic/Likely pathogenic. Review status: criteria provided, multiple submitters, no conflicts (2 of 4 stars). 3 submissions from 3 submitters: Pathogenic (1); Likely pathogenic (2). Last evaluated 2025-04-11.

Conditions:
FANCM-related disorder. Also called: FANCM-related condition.
Fanconi anemia (FA). Also called: Fanconi's anemia. Identifiers: Orphanet 84, MedGen C0015625, MeSH D005199, MONDO:0019391.

Allele frequency attached by ClinVar (database versions not stated): gnomAD exomes below 0.00001; ExAC 0.00001; gnomAD 0.00001 and 0.00002; TOPMed 0.00002; ESP Exome Variant Server 0.00008.
gnomAD v4.1: 7 of 1,611,376 alleles (0.00043%); highest among the groups gnomAD compares: African/African-American, 0.0027%; no homozygotes.

Submissions (3):

Labcorp Genetics (formerly Invitae), Labcorp
Classification: Pathogenic for Fanconi anemia. Last evaluated: 2025-04-11. Review status: criteria provided, single submitter. Criteria: Invitae Variant Classification Sherloc (09022015). Collection method: clinical testing. Allele origin: germline.
Comment: This sequence change creates a premature translational stop signal (p.Arg627*) in the FANCM gene. It is expected to result in an absent or disrupted protein product. Loss-of-function variants in FANCM are known to be pathogenic (PMID: 29895858, 30075111). This variant is present in population databases (rs374626826, gnomAD 0.002%). This variant has not been reported in the literature in individuals affected with FANCM-related conditions. ClinVar contains an entry for this variant (Variation ID: 863867). For these reasons, this variant has been classified as Pathogenic.

GeneDx
Classification: Likely pathogenic. Last evaluated: 2024-09-12. Review status: criteria provided, single submitter. Criteria: GeneDx Variant Classification Process June 2021. Collection method: clinical testing. Allele origin: germline. Affected: yes.
Comment: Nonsense variant predicted to result in protein truncation or nonsense mediated decay in a gene for which loss of function is a known mechanism of disease; Not observed at significant frequency in large population cohorts (gnomAD); Has not been previously published as pathogenic or benign to our knowledge; This variant is associated with the following publications: (PMID: 32427313)

PreventionGenetics, part of Exact Sciences
Classification: Likely pathogenic for FANCM-related condition. Last evaluated: 2023-03-23. Review status: criteria provided, single submitter. Criteria: ACMG Guidelines, 2015. Collection method: clinical testing. Allele origin: germline.
Comment: The FANCM c.1879C>T variant is predicted to result in premature protein termination (p.Arg627*). To our knowledge, this variant has not been reported in the literature in a patient with a FANCM related disorder. This variant is reported in 0.00088% of alleles in individuals of European (Non-Finnish) descent in gnomAD and is listed in ClinVar as likely pathogenic and pathogenic. Nonsense variants in FANCM are expected to be pathogenic. This variant is interpreted as likely pathogenic.

Literature cited by the submitters: PubMed 29895858 (cited by Labcorp Genetics (formerly Invitae), Labcorp); PubMed 30075111 (cited by Labcorp Genetics (formerly Invitae), Labcorp).

NM_020937.4(FANCM):c.1879C>T (p.Arg627Ter)

Gene: FANCM (FA complementation group M; plus strand). Cytogenetic location: 14q21.2.
Variant type: single nucleotide variant.
Coding change: c.1879C>T on transcript NM_020937.4 (MANE Select); coding-DNA position 1879, C replaced by T.
Protein change: p.Arg627Ter; replaces arginine 627 with a stop codon.
Molecular consequence: nonsense.
Genome position (GRCh38, 1-based): chr14:45,167,040, C>T. VCF-style: chr14-45167040-C-T. GRCh37 (hg19) VCF-style: chr14-45636243-C-T.
Other names: c.1801C>T, p.Arg601Ter (NM_001308133.2); c.1879C>T, p.Arg627Ter (NM_001308134.2); c.1879C>T (NM_020937.3); short protein forms R601*, R627*.
Identifiers: ClinVar variation 863867 (VCV000863867.12), dbSNP rs374626826, ClinGen allele CA7169176.